The following is an entry in ClinVar:

ClinVar aggregate classification (germline): Uncertain significance (1 of 4 stars; one submission).

Allele frequency attached by ClinVar (database versions not stated): TOPMed below 0.00001; gnomAD 0.00001; gnomAD exomes 0.00001.
gnomAD v4.1: 10 of 1,614,032 alleles (0.00062%); highest among the groups gnomAD compares: Middle Eastern, 0.05%; 1 homozygote.

Submission:

Labcorp Genetics (formerly Invitae), Labcorp
Classification: Uncertain significance. Last evaluated: 2022-08-14. Review status: criteria provided, single submitter. Criteria: Invitae Variant Classification Sherloc (09022015). Collection method: clinical testing. Allele origin: germline.
Comment: In summary, the available evidence is currently insufficient to determine the role of this variant in disease. Therefore, it has been classified as a Variant of Uncertain Significance. Algorithms developed to predict the effect of missense changes on protein structure and function are either unavailable or do not agree on the potential impact of this missense change (SIFT: "Deleterious"; PolyPhen-2: "Probably Damaging"; Align-GVGD: "Class C0"). This variant has not been reported in the literature in individuals affected with SNIP1-related conditions. This variant is not present in population databases (gnomAD no frequency). This sequence change replaces arginine, which is basic and polar, with serine, which is neutral and polar, at codon 88 of the SNIP1 protein (p.Arg88Ser).

NM_024700.4(SNIP1):c.264A>C (p.Arg88Ser)

Gene: SNIP1 (Smad nuclear interacting protein 1; minus strand). Cytogenetic location: 1p34.3.
Variant type: single nucleotide variant.
Coding change: c.264A>C on transcript NM_024700.4 (MANE Select); coding-DNA position 264, A replaced by C.
Protein change: p.Arg88Ser; replaces arginine 88 with serine.
Molecular consequence: missense variant.
Genome position (GRCh38, 1-based): chr1:37,552,708, T>G on the plus strand (A>C on the coding strand, the complement: SNIP1 is on the minus strand). VCF-style: chr1-37552708-T-G. GRCh37 (hg19) VCF-style: chr1-38018309-T-G.
Other names: short protein forms R88S.
Identifiers: ClinVar variation 2156678 (VCV002156678.4), dbSNP rs1570031095, ClinGen allele CA339429430.